The following is an entry in ClinVar:

NM_000053.4(ATP7B):c.167dup (p.Val57fs)

Gene: ATP7B (ATPase copper transporting beta; minus strand). Cytogenetic location: 13q14.3.
Variant type: Duplication.
Coding change: c.167dup on transcript NM_000053.4 (MANE Select); coding-DNA position 167, one base duplicated (A; older notation c.167dupA).
Protein change: p.Val57fs; shifts the reading frame from valine 57.
Molecular consequence: frameshift variant.
Genome position (GRCh38, 1-based): chr13:51,975,053, T duplicated on the plus strand (A on the coding strand, the reverse complement: ATP7B is on the minus strand). VCF-style (leftmost placement, unchanged base first): chr13-51975052-C-CT. GRCh37 (hg19) VCF-style: chr13-52549188-C-CT.
Other names: c.167dupA (NM_000053.3); c.167dup, p.Val57fs (NM_001005918.3, NM_001243182.2, NM_001330578.2 and 1 more transcripts); c.167dup, p.Val57Glyfs (NM_001406511.1, NM_001406512.1, NM_001406513.1 and 26 more transcripts); c.71dup, p.Val25Glyfs (NM_001406517.1, NM_001406518.1, NM_001406530.1 and 4 more transcripts); short protein forms V57fs.
Identifiers: ClinVar variation 1725074 (VCV001725074.3), dbSNP rs755267357, ClinGen allele CA6989606.
Genomic context (GRCh38, chr13:51,975,052, plus strand): 5'-AATGGACTTCACACATGACTGGCAAGTCATGCCCAAGATCCTGACTGTGCTGGTGGCCAC[C>CT]TGAGAAGAAGGGCCCAGGCCATCCAGACCACCTTCATAGCCAACATTGTCAAAAGCAAAA-3'

ClinVar aggregate classification (germline): Likely pathogenic. Review status: criteria provided, multiple submitters, no conflicts (2 of 4 stars). 2 submissions from 2 submitters: Likely pathogenic (2). Last evaluated 2024-04-24.

Conditions:
Wilson disease (WND). Also called: Wilson's disease. Identifiers: Orphanet 905, MedGen C0019202, MONDO:0010200, OMIM 277900. Disease mechanism: loss of function.

Allele frequency attached by ClinVar (database versions not stated): gnomAD exomes below 0.00001; ExAC 0.00001.

Submissions (2):

Natera, Inc.
Classification: Likely pathogenic for Wilson disease. Last evaluated: 2024-04-24. Review status: criteria provided, single submitter. Criteria: Natera Variant Classification Schema (03/2026). Collection method: clinical testing. Allele origin: germline.
Comment: The c.167dupA variant in ATP7B is a frameshift variant predicted to shift the reading frame beginning at codon 57 and leads to a stop codon 21 codons downstream. This variant is expected to result in nonsense mediated decay, truncation, or a dysfunctional protein product. This variant is rare in the general population with a frequency below the threshold expected for the associated phenotype(s). Given the available evidence, this variant is classified as Likely Pathogenic.

Myriad Genetics, Inc.
Classification: Likely pathogenic for Wilson disease. Last evaluated: 2021-11-30. Review status: criteria provided, single submitter. Criteria: Myriad Women's Health Autosomal Recessive and X-Linked Classification Criteria (2021). Collection method: clinical testing. Allele origin: unknown.
Comment: NM_000053.3(ATP7B):c.167dupA(V57Gfs*21) is expected to be pathogenic in the context of Wilson disease. This variant is predicted to lead to an abnormal or absent protein product due to the creation of a premature termination codon in ATP7B, a gene where loss-of-function variants are known to be pathogenic. Please note: this variant was assessed in the context of healthy population screening.